The following is an entry in ClinVar:

ClinVar aggregate classification (germline): Pathogenic/Likely pathogenic. Review status: criteria provided, multiple submitters, no conflicts (2 of 4 stars). 4 submissions from 3 submitters: Pathogenic (3); Likely pathogenic (1). Last evaluated 2025-10-09.

Conditions:
Spastic tetraplegia and axial hypotonia, progressive. Also called: SOD1 DEFICIENCY, AUTOSOMAL RECESSIVE. Identifiers: MedGen C5231422, MONDO:0032828, OMIM 618598.
Amyotrophic lateral sclerosis type 1 (ALS1). Also called: AMYOTROPHIC LATERAL SCLEROSIS 1, FAMILIAL. Identifiers: Orphanet 803, MedGen C1862939, MONDO:0007103, OMIM 105400.

Submissions (4):

Labcorp Genetics (formerly Invitae), Labcorp
Classification: Pathogenic for Amyotrophic lateral sclerosis type 1. Last evaluated: 2025-10-09. Review status: criteria provided, single submitter. Criteria: Invitae Variant Classification Sherloc (09022015). Collection method: clinical testing. Allele origin: germline.
Comment: This sequence change replaces leucine, which is neutral and non-polar, with phenylalanine, which is neutral and non-polar, at codon 85 of the SOD1 protein (p.Leu85Phe). The frequency data for this variant in the population databases is considered unreliable, as metrics indicate poor data quality at this position in the gnomAD database. This missense change has been observed in individuals with autosomal dominant amyotrophic lateral sclerosis (PMID: 9506558, 20577002, 21329474, 22670878, 24325798, 25792239). It has also been observed to segregate with disease in related individuals. This variant is also known as p.Leu84Phe. ClinVar contains an entry for this variant (Variation ID: 855744). Invitae Evidence Modeling of protein sequence and biophysical properties (such as structural, functional, and spatial information, amino acid conservation, physicochemical variation, residue mobility, and thermodynamic stability) indicates that this missense variant is expected to disrupt SOD1 protein function with a positive predictive value of 95%. Experimental studies have shown that this missense change affects SOD1 function (PMID: 23280792). For these reasons, this variant has been classified as Pathogenic.

Human Genome Lab, NIMHANS, National Institute of Mental Health and Neuro Sciences
Classification: Likely pathogenic for Amyotrophic lateral sclerosis type 1. Last evaluated: 2025-04-17. Review status: criteria provided, single submitter. Criteria: ACMG Guidelines, 2015. Collection method: clinical testing. Allele origin: germline. Inheritance: Autosomal dominant inheritance. Affected: yes. Observed: 1 heterozygote.
Comment: The SOD1 gene encodes superoxide dismutase-1, a cytoplasmic antioxidant enzyme that metabolizes superoxide radicals to molecular oxygen and hydrogen peroxide, thus providing a defense against oxygen toxicity.The genomic variant c.255G>C p.Leu85Phe rs1315541036 in the SOD1 gene has been identified in the context of amyotrophic lateral sclerosis (ALS). The SOD1 gene encodes the enzyme copper-zinc superoxide dismutase, which is crucial for the detoxification of superoxide radicals in cells, thereby protecting against oxidative stress .

Kariminejad - Najmabadi Pathology & Genetics Center
Classification: Pathogenic for Amyotrophic lateral sclerosis type 1; Spastic tetraplegia and axial hypotonia, progressive. Last evaluated: 2024-02-23. Review status: criteria provided, single submitter. Criteria: ACMG Guidelines, 2015. Collection method: clinical testing. Allele origin: germline. Inheritance: Autosomal recessive inheritance. Affected: yes.

Kariminejad - Najmabadi Pathology & Genetics Center
Classification: Pathogenic for Amyotrophic lateral sclerosis type 1. Last evaluated: 2020-01-12. Review status: criteria provided, single submitter. Criteria: ACMG Guidelines, 2015. Collection method: clinical testing. Allele origin: germline. Inheritance: Autosomal dominant inheritance. Affected: yes.
Comment: [PS1 PS3 PM1 PM2 PM5 PP2 PP3 PP5]

Literature cited by the submitters: PubMed 9506558 (cited by Labcorp Genetics (formerly Invitae), Labcorp); PubMed 20577002 (cited by Labcorp Genetics (formerly Invitae), Labcorp); PubMed 21329474 (cited by Labcorp Genetics (formerly Invitae), Labcorp); PubMed 22670878 (cited by Labcorp Genetics (formerly Invitae), Labcorp); PubMed 24325798 (cited by Labcorp Genetics (formerly Invitae), Labcorp); PubMed 25792239 (cited by Labcorp Genetics (formerly Invitae), Labcorp); PubMed 23280792 (cited by Labcorp Genetics (formerly Invitae), Labcorp).

NM_000454.5(SOD1):c.255G>C (p.Leu85Phe)

Gene: SOD1 (superoxide dismutase 1; plus strand). Cytogenetic location: 21q22.11.
Variant type: single nucleotide variant.
Coding change: c.255G>C on transcript NM_000454.5 (MANE Select); coding-DNA position 255, G replaced by C.
Protein change: p.Leu85Phe; replaces leucine 85 with phenylalanine.
Molecular consequence: missense variant.
Genome position (GRCh38, 1-based): chr21:31,667,273, G>C. VCF-style: chr21-31667273-G-C. GRCh37 (hg19) VCF-style: chr21-33039586-G-C.
Other names: p.Leu85Phe; short protein forms L85F.
Identifiers: ClinVar variation 855744 (VCV000855744.11), dbSNP rs1315541036, ClinGen allele CA410037403.
Genomic context (GRCh38, chr21:31,667,273, plus strand): 5'-TTAGTGGCATCAGCCCTAATCCATCTGATGCTTTTTCATTATTAGGCATGTTGGAGACTT[G>C]GGCAATGTGACTGCTGACAAAGATGGTGTGGCCGATGTGTCTATTGAAGATTCTGTGATC-3'
Protein context (NP_000445.1, residues 75-95): PKDEERHVGD[Leu85Phe]GNVTADKDGV